The following is an entry in ClinVar:

ClinVar aggregate classification (germline): Uncertain significance (1 of 4 stars; one submission).

gnomAD v4.1: 3 of 152,004 alleles (0.002%); highest among the groups gnomAD compares: Non-Finnish European, 0.0029%; no homozygotes.

Submission:

Greenwood Genetic Center Diagnostic Laboratories, Greenwood Genetic Center
Classification: Uncertain significance. Last evaluated: 2025-05-06. Review status: criteria provided, single submitter. Criteria: ACMG Guidelines, 2015. Collection method: clinical testing. Allele origin: germline. Affected: yes.
Comment: PM2, PM3, BP4

NM_006567.5(FARS2):c.1217+44796C>T

Gene: FARS2 (phenylalanyl-tRNA synthetase 2, mitochondrial; plus strand). Cytogenetic location: 6p25.1.
Variant type: single nucleotide variant.
Coding change: c.1217+44796C>T on transcript NM_006567.5 (MANE Select); 44796 bases into the intron after coding-DNA position 1217, C replaced by T.
Molecular consequence: intron variant.
Genome position (GRCh38, 1-based): chr6:5,658,116, C>T. VCF-style: chr6-5658116-C-T. GRCh37 (hg19) VCF-style: chr6-5658349-C-T.
Other names: c.1217+44796C>T (NM_001374878.1, NM_001318872.2, NM_001374877.1 and 4 more transcripts); c.1085+44796C>T (NM_001375258.1); c.521+44796C>T (NM_001375260.1, NM_001375259.1).
Identifiers: ClinVar variation 4538207 (VCV004538207.1).
Genomic context (GRCh38, chr6:5,658,116, plus strand): 5'-AGACCAGTCTGATGAACATGGAGGAACCCCTTCTCTACTAAAAGTACAAAGTTTGCTGGG[C>T]GTGGTGGTGCATGTCTGTAATCCCAGCTACTCAGGAGGCTGAGGCAGGAGAATTGCTTGA-3'